The following is an entry in ClinVar:

NM_000717.5(CA4):c.800A>G (p.Lys267Arg)

Gene: CA4 (carbonic anhydrase 4; plus strand). Cytogenetic location: 17q23.1.
Variant type: single nucleotide variant.
Coding change: c.800A>G on transcript NM_000717.5 (MANE Select); coding-DNA position 800, A replaced by G.
Protein change: p.Lys267Arg; replaces lysine 267 with arginine.
Molecular consequence: missense variant. On other transcripts: non-coding transcript variant (1).
Genome position (GRCh38, 1-based): chr17:60,159,285, A>G. VCF-style: chr17-60159285-A-G. GRCh37 (hg19) VCF-style: chr17-58236646-A-G.
Other names: short protein forms K267R.
Identifiers: ClinVar variation 1385601 (VCV001385601.10), dbSNP rs187221698, ClinGen allele CA8685541.
Genomic context (GRCh38, chr17:60,159,285, plus strand): 5'-CGCAGATCCTGGCATTCTCTCAGAAGCTGTACTACGACAAGGAACAGACAGTGAGCATGA[A>G]GGACAATGTCAGGCCCCTGCAGCAGCTGGGGCAGCGCACGGTGATAAAGTCCGGGGCCCC-3'
Protein context (NP_000708.1, residues 257-277): YYDKEQTVSM[Lys267Arg]DNVRPLQQLG

ClinVar aggregate classification (germline): Conflicting classifications of pathogenicity. Review status: criteria provided, conflicting classifications (1 of 4 stars). 3 submissions from 3 submitters: Uncertain significance (1); Benign (1); Likely benign (1). Last evaluated 2024-02-20.

Conditions:
Retinal dystrophy. Also called: Inherited retinal dystrophy. Identifiers: Orphanet 71862, MedGen C0854723, MeSH D058499, MONDO:0019118, HP:0000556.

Allele frequency attached by ClinVar (database versions not stated): gnomAD 0.00001 and 0.00003; gnomAD exomes 0.00003 and 0.00004; TOPMed 0.00003; ExAC 0.00005; 1000 Genomes Project 30x 0.00031; 1000 Genomes Project 0.00040.
gnomAD v4.1: 54 of 1,610,380 alleles (0.0034%); highest among the groups gnomAD compares: East Asian, 0.11%; no homozygotes.

Submissions (3):

Labcorp Genetics (formerly Invitae), Labcorp
Classification: Uncertain significance. Last evaluated: 2024-02-20. Review status: criteria provided, single submitter. Criteria: Invitae Variant Classification Sherloc (09022015). Collection method: clinical testing. Allele origin: germline.
Comment: This sequence change replaces lysine, which is basic and polar, with arginine, which is basic and polar, at codon 267 of the CA4 protein (p.Lys267Arg). This variant is present in population databases (rs187221698, gnomAD 0.04%). This variant has not been reported in the literature in individuals affected with CA4-related conditions. ClinVar contains an entry for this variant (Variation ID: 1385601). Advanced modeling of protein sequence and biophysical properties (such as structural, functional, and spatial information, amino acid conservation, physicochemical variation, residue mobility, and thermodynamic stability) performed at Invitae indicates that this missense variant is not expected to disrupt CA4 protein function with a negative predictive value of 80%. In summary, the available evidence is currently insufficient to determine the role of this variant in disease. Therefore, it has been classified as a Variant of Uncertain Significance.

Dept Of Ophthalmology, Nagoya University
Classification: Benign for Retinal dystrophy. Last evaluated: 2023-10-01. Review status: criteria provided, single submitter. Criteria: Submitter's publication. Collection method: research. Allele origin: germline. Affected: yes.

Blueprint Genetics
Classification: Likely benign. Last evaluated: 2021-10-26. Review status: criteria provided, single submitter. Criteria: ACMG Guidelines, 2015. Collection method: clinical testing. Allele origin: germline.